The following is an entry in ClinVar:

ClinVar aggregate classification (germline): Pathogenic/Likely pathogenic. Review status: criteria provided, multiple submitters, no conflicts (2 of 4 stars). 8 submissions from 8 submitters: Pathogenic (5); Likely pathogenic (2). 1 of the submissions does not count toward it. Last evaluated 2026-08-11.

Conditions:
Nephronophthisis 4 (NPHP4). Also called: NEPHRONOPHTHISIS 4, JUVENILE. Identifiers: Orphanet 655, MedGen C1847013, MONDO:0011752, OMIM 606966.
Senior-Loken syndrome 4 (SLSN4). Identifiers: Orphanet 3156, MedGen C1846979, MONDO:0011756, OMIM 606996.
NPHP4-related disorder. Also called: NPHP4-related disorders; NPHP4-related condition. Identifiers: MedGen CN239384.
Nephronophthisis. Also called: Juvenile Nephronophthisis. Identifiers: Orphanet 655, MedGen C0687120, MONDO:0019005, HP:0000090.
Retinal dystrophy. Also called: Inherited retinal dystrophy. Identifiers: Orphanet 71862, MedGen C0854723, MeSH D058499, MONDO:0019118, HP:0000556.

Allele frequency attached by ClinVar (database versions not stated): gnomAD 0.00003 and 0.00004; gnomAD exomes 0.00003; ExAC 0.00004; TOPMed 0.00005; ESP Exome Variant Server 0.00008.
gnomAD v4.1: 144 of 1,613,652 alleles (0.0089%); highest among the groups gnomAD compares: Non-Finnish European, 0.012%; no homozygotes.

Submissions (8):

PreventionGenetics, part of Exact Sciences
Classification: Pathogenic for NPHP4-related condition. Last evaluated: 2026-08-11. Review status: criteria provided, single submitter. Criteria: ACMG Guidelines, 2015. Collection method: clinical testing. Allele origin: germline.
Comment: The NPHP4 c.133C>T variant is predicted to result in premature protein termination (p.Gln45*). This variant has been reported in the absence of a second causative variant in an individual with nephronophthisis-related ciliopathy (Halbritter et al. 2013. PubMed ID: 23559409). This variant was also identified along with a deep intronic variant that impacted splicing in an individual with nephronophthisis (Miller et al. 2021. PubMed ID: 34216551). This variant is present in 0.0070% of alleles in individuals of European (Non-Finnish) descent in gnomAD. Nonsense variants in NPHP4 are an established mechanism of disease, and this variant has been classified as pathogenic or likely pathogenic by multiple independent submitters to the ClinVar database (Variation ID: 562355). Given the evidence, we interpret this variant as pathogenic.

Labcorp Genetics (formerly Invitae), Labcorp
Classification: Pathogenic for Nephronophthisis. Last evaluated: 2025-12-10. Review status: criteria provided, single submitter. Criteria: Invitae Variant Classification Sherloc (09022015). Collection method: clinical testing. Allele origin: germline.
Comment: This sequence change creates a premature translational stop signal (p.Gln45*) in the NPHP4 gene. It is expected to result in an absent or disrupted protein product. Loss-of-function variants in NPHP4 are known to be pathogenic (PMID: 12205563, 23559409). This variant is present in population databases (rs370210428, gnomAD 0.007%). This premature translational stop signal has been observed in individual(s) with a nephronophthisis-related ciliopathy (PMID: 23559409). ClinVar contains an entry for this variant (Variation ID: 562355). Algorithms developed to predict the effect of sequence changes on RNA splicing suggest that this variant may disrupt the consensus splice site. For these reasons, this variant has been classified as Pathogenic.

GeneDx
Classification: Pathogenic. Last evaluated: 2025-05-20. Review status: criteria provided, single submitter. Criteria: GeneDx Variant Classification Process June 2021. Collection method: clinical testing. Allele origin: germline. Affected: yes.
Comment: Reported as a heterozygous variant in unrelated patients with nephropathy or end stage renal disease in published literature; however, a second variant in NPHP4 was not reported (PMID: 23559409, 30586318); Nonsense variant predicted to result in protein truncation or nonsense mediated decay in a gene for which loss of function is a known mechanism of disease; This variant is associated with the following publications: (PMID: 30586318, 31964843, 37558662, 23559409, 34216551)

Fulgent Genetics
Classification: Pathogenic for Nephronophthisis 4; Senior-Loken syndrome 4. Last evaluated: 2024-04-20. Review status: criteria provided, single submitter. Criteria: ACMG Guidelines, 2015. Collection method: clinical testing. Allele origin: germline.

Blueprint Genetics
Classification: Likely pathogenic for NPHP4-related disorders. Last evaluated: 2023-03-14. Review status: criteria provided, single submitter. Criteria: ACMG Guidelines, 2015. Collection method: clinical testing. Allele origin: germline. Affected: yes. Observed: 5 variant alleles.

Institute of Human Genetics, Univ. Regensburg, Univ. Regensburg
Classification: Pathogenic for Retinal dystrophy. Last evaluated: 2021-01-01. Review status: criteria provided, single submitter. Criteria: ACMG Guidelines, 2015. Collection method: clinical testing. Allele origin: germline. Affected: yes.

Division Of Personalized Genomic Medicine, Columbia University Irving Medical Center
Classification: Likely pathogenic for Senior-Loken syndrome 4. Last evaluated: 2020-11-05. Review status: criteria provided, single submitter. Criteria: ACMG Guidelines, 2015. Collection method: clinical testing. Allele origin: maternal. Inheritance: Autosomal recessive inheritance. Observed: 1 heterozygote.
Comment: The c.133C>T variant in the NPHP4 gene is a heterozygous nonsense variant, which results in a premature stop codon at the position 45 (p.Gln45Ter). This premature truncation occurs in coding exon 2 of the NPHP4 gene (30 exons total; NM_015102.5). Loss-of-function variants in NPHP4 have been established to be pathogenic (PMIDs: 12205563, 23559409). Several different loss-of-function variants distal to this one have been described to be disease causing. This variant has been observed in the Genome Aggregation Database (gnomAD) at a very low frequency (allele frequency = 0.00003210, no homozygotes), indicating it is not a common benign variant in the populations represented in this database. This variant has been reported in the heterozygous state in an individual with nephronophthisis-related ciliopathy (PMID: 23559409).

Gharavi Laboratory, Columbia University
Classification: Pathogenic. Last evaluated: 2018-09-16. Review status: no assertion criteria provided. Criteria: ACMG Guidelines, 2015. Collection method: research. Allele origin: germline. Affected: yes. Not counted in ClinVar's aggregate classification.

Literature cited by the submitters: PubMed 12205563 (cited by Labcorp Genetics (formerly Invitae), Labcorp and Division Of Personalized Genomic Medicine, Columbia University Irving Medical Center); PubMed 23559409 (cited by 3 submitters); PubMed 30586318 (cited by Institute of Human Genetics, Univ. Regensburg, Univ. Regensburg); PubMed 31964843 (cited by Institute of Human Genetics, Univ. Regensburg, Univ. Regensburg); PubMed 34216551 (cited by Institute of Human Genetics, Univ. Regensburg, Univ. Regensburg).

NM_015102.5(NPHP4):c.133C>T (p.Gln45Ter)

Gene: NPHP4 (nephrocystin 4; minus strand). Cytogenetic location: 1p36.31.
Variant type: single nucleotide variant.
Coding change: c.133C>T on transcript NM_015102.5 (MANE Select); coding-DNA position 133, C replaced by T.
Protein change: p.Gln45Ter; replaces glutamine 45 with a stop codon.
Molecular consequence: nonsense. On other transcripts: 5 prime UTR variant (1), non-coding transcript variant (1), intron variant (1).
Genome position (GRCh38, 1-based): chr1:5,986,157, G>A on the plus strand (C>T on the coding strand, the complement: NPHP4 is on the minus strand). VCF-style: chr1-5986157-G-A. GRCh37 (hg19) VCF-style: chr1-6046217-G-A.
Other names: c.-1097C>T (NM_001291593.2); c.-1088+6087C>T (NM_001291594.2); short protein forms Q45*.
Identifiers: ClinVar variation 562355 (VCV000562355.20), dbSNP rs370210428, ClinGen allele CA554942.